The following is an entry in ClinVar:

NM_001830.4(CLCN4):c.310C>A (p.Leu104Met)

Gene: CLCN4 (chloride voltage-gated channel 4; plus strand). Cytogenetic location: Xp22.2.
Variant type: single nucleotide variant.
Coding change: c.310C>A on transcript NM_001830.4 (MANE Select); coding-DNA position 310, C replaced by A.
Protein change: p.Leu104Met; replaces leucine 104 with methionine.
Molecular consequence: missense variant.
Genome position (GRCh38, 1-based): chrX:10,194,976, C>A. VCF-style: chrX-10194976-C-A. GRCh37 (hg19) VCF-style: chrX-10163016-C-A.
Other names: c.28C>A, p.Leu10Met (NM_001256944.2); short protein forms L104M, L10M.
Identifiers: ClinVar variation 3251399 (VCV003251399.3), dbSNP rs2518877852.
Genomic context (GRCh38, chrX:10,194,976, plus strand): 5'-TTGGCTGGGGTCATCGATCTCGCCGTGGACTGGATGACGGACCTGAAGGAGGGGGTCTGC[C>A]TGTCTGCCTTCTGGTATAGCCATGAGCAGTGTTGCTGGACTTCTAACGAGACCACTTTTG-3'
Protein context (NP_001821.2, residues 94-114): WMTDLKEGVC[Leu104Met]SAFWYSHEQC

ClinVar aggregate classification (germline): Uncertain significance. Review status: criteria provided, multiple submitters, no conflicts (2 of 4 stars). 2 submissions from 2 submitters: Uncertain significance (2). Last evaluated 2024-04-09.

Submissions (2):

Women's Health and Genetics/Laboratory Corporation of America, LabCorp
Classification: Uncertain significance. Last evaluated: 2024-04-09. Review status: criteria provided, single submitter. Criteria: LabCorp Variant Classification Summary - May 2015. Collection method: clinical testing. Allele origin: germline.
Comment: Variant summary: CLCN4 c.310C>A (p.Leu104Met) results in a conservative amino acid change in the encoded protein sequence. Three of five in-silico tools predict a benign effect of the variant on protein function. The variant was absent in 183408 control chromosomes. The available data on variant occurrences in the general population are insufficient to allow any conclusion about variant significance. To our knowledge, no occurrence of c.310C>A in individuals affected with Raynaud-Claes Syndrome and no experimental evidence demonstrating its impact on protein function have been reported. No submitters have cited clinical-significance assessments for this variant to ClinVar. Based on the evidence outlined above, the variant was classified as uncertain significance.

Labcorp Genetics (formerly Invitae), Labcorp
Classification: Uncertain significance. Last evaluated: 2024-02-09. Review status: criteria provided, single submitter. Criteria: Invitae Variant Classification Sherloc (09022015). Collection method: clinical testing. Allele origin: germline.
Comment: This sequence change replaces leucine, which is neutral and non-polar, with methionine, which is neutral and non-polar, at codon 104 of the CLCN4 protein (p.Leu104Met). This variant is not present in population databases (gnomAD no frequency). This variant has not been reported in the literature in individuals affected with CLCN4-related conditions. Advanced modeling of protein sequence and biophysical properties (such as structural, functional, and spatial information, amino acid conservation, physicochemical variation, residue mobility, and thermodynamic stability) has been performed at Invitae for this missense variant, however the output from this modeling did not meet the statistical confidence thresholds required to predict the impact of this variant on CLCN4 protein function. In summary, the available evidence is currently insufficient to determine the role of this variant in disease. Therefore, it has been classified as a Variant of Uncertain Significance.